The following is an entry in ClinVar:

NM_000540.3(RYR1):c.1725C>G (p.Asn575Lys)

Gene: RYR1 (ryanodine receptor 1; plus strand). Cytogenetic location: 19q13.2.
Variant type: single nucleotide variant.
Coding change: c.1725C>G on transcript NM_000540.3 (MANE Select); coding-DNA position 1725, C replaced by G.
Protein change: p.Asn575Lys; replaces asparagine 575 with lysine.
Molecular consequence: missense variant.
Genome position (GRCh38, 1-based): chr19:38,455,685, C>G. VCF-style: chr19-38455685-C-G. GRCh37 (hg19) VCF-style: chr19-38946325-C-G.
Other names: c.1725C>G, p.Asn575Lys (NM_001042723.2); short protein forms N575K.
Identifiers: ClinVar variation 4690080 (VCV004690080.1).

ClinVar aggregate classification (germline): Uncertain significance (1 of 4 stars; one submission).

Submission:

GeneDx
Classification: Uncertain significance. Last evaluated: 2025-07-27. Review status: criteria provided, single submitter. Criteria: GeneDx Variant Classification Process June 2021. Collection method: clinical testing. Allele origin: germline. Affected: yes.
Comment: Not observed at significant frequency in large population cohorts (gnomAD); In silico analysis supports that this missense variant has a deleterious effect on protein structure/function; Has not been previously published as pathogenic or benign to our knowledge